The following is an entry in ClinVar:

ClinVar aggregate classification (germline): Likely benign. Review status: criteria provided, multiple submitters, no conflicts (2 of 4 stars). 5 submissions from 5 submitters: Likely benign (4). 1 of the submissions does not count toward it. Last evaluated 2025-10-02.

Conditions:
NTRK2-related disorder. Also called: NTRK2-related condition.

Allele frequency attached by ClinVar (database versions not stated): gnomAD 0.00008; gnomAD exomes 0.00008 and 0.00010; TOPMed 0.00008; ExAC 0.00010; ESP Exome Variant Server 0.00023.
gnomAD v4.1: 124 of 1,613,970 alleles (0.0077%); highest among the groups gnomAD compares: Non-Finnish European, 0.01%; no homozygotes.

Submissions (5):

Labcorp Genetics (formerly Invitae), Labcorp
Classification: Likely benign. Last evaluated: 2025-10-02. Review status: criteria provided, single submitter. Criteria: Invitae Variant Classification Sherloc (09022015). Collection method: clinical testing. Allele origin: germline.

Blueprint Genetics
Classification: Likely benign. Last evaluated: 2024-11-08. Review status: criteria provided, single submitter. Criteria: ACMG Guidelines, 2015. Collection method: clinical testing. Allele origin: germline.

CeGaT Center for Human Genetics Tuebingen
Classification: Likely benign. Last evaluated: 2023-10-01. Review status: criteria provided, single submitter. Criteria: CeGaT Center For Human Genetics Tuebingen Variant Classification Criteria Version 2. Collection method: clinical testing. Allele origin: germline. Affected: yes. Observed: 2 variant alleles.
Comment: NTRK2: BP4, BP7

Breakthrough Genomics
Classification: Likely benign. Review status: criteria provided, single submitter. Criteria: ACMG Guidelines, 2015. Collection method: not provided. Allele origin: germline. Inheritance: Autosomal dominant inheritance. Affected: yes.

PreventionGenetics, part of Exact Sciences
Classification: Likely benign for NTRK2-related condition. Last evaluated: 2023-07-07. Review status: no assertion criteria provided. Collection method: clinical testing. Allele origin: germline. Not counted in ClinVar's aggregate classification.
Comment: This variant is classified as likely benign based on ACMG/AMP sequence variant interpretation guidelines (Richards et al. 2015 PMID: 25741868, with internal and published modifications).

NM_006180.6(NTRK2):c.441C>T (p.Gly147=)

Gene: NTRK2 (neurotrophic receptor tyrosine kinase 2; plus strand). Cytogenetic location: 9q21.33.
Variant type: single nucleotide variant.
Coding change: c.441C>T on transcript NM_006180.6 (MANE Select); coding-DNA position 441, C replaced by T.
Protein change: p.Gly147=; no amino-acid change (glycine 147 retained).
Molecular consequence: synonymous variant. On other transcripts: 5 prime UTR variant (5).
Genome position (GRCh38, 1-based): chr9:84,710,649, C>T. VCF-style: chr9-84710649-C-T. GRCh37 (hg19) VCF-style: chr9-87325564-C-T.
Other names: c.441C>T (NM_006180.4); c.441C>T, p.Gly147= (NM_001007097.3, NM_001018064.3, NM_001018065.2 and 18 more transcripts); c.-28C>T (NM_001369535.1, NM_001369536.1, NM_001369550.1 and 2 more transcripts).
Identifiers: ClinVar variation 1299148 (VCV001299148.43), dbSNP rs149433995, ClinGen allele CA5105510.